The following is an entry in ClinVar:

NM_001099403.2(PRDM8):c.232G>A (p.Ala78Thr)

Genes: PRDM8 (PR/SET domain 8; plus strand), LOC126807094 (CDK7 strongly-dependent group 2 enhancer GRCh37_chr4:81121978-81123177; plus strand). Cytogenetic location: 4q21.21.
Variant type: single nucleotide variant.
Coding change: c.232G>A on transcript NM_001099403.2 (MANE Select); coding-DNA position 232, G replaced by A.
Protein change: p.Ala78Thr; replaces alanine 78 with threonine.
Molecular consequence: missense variant.
Genome position (GRCh38, 1-based): chr4:80,201,302, G>A. VCF-style: chr4-80201302-G-A. GRCh37 (hg19) VCF-style: chr4-81122456-G-A.
Other names: c.232G>A, p.Ala78Thr (NM_020226.4); short protein forms A78T.
Identifiers: ClinVar variation 1440154 (VCV001440154.5), dbSNP rs974078652, ClinGen allele CA99998911.

ClinVar aggregate classification (germline): Uncertain significance (1 of 4 stars; one submission).

Conditions:
Early-onset Lafora body disease. Also called: Epilepsy, progressive myoclonic, 10. Identifiers: Orphanet 324290, MedGen C4225258, MONDO:0014717, OMIM 616640.

Allele frequency attached by ClinVar (database versions not stated): gnomAD 0.00001; TOPMed 0.00002.

Submission:

Labcorp Genetics (formerly Invitae), Labcorp
Classification: Uncertain significance for Early-onset Lafora body disease. Last evaluated: 2022-07-12. Review status: criteria provided, single submitter. Criteria: Invitae Variant Classification Sherloc (09022015). Collection method: clinical testing. Allele origin: germline.
Comment: This sequence change replaces alanine, which is neutral and non-polar, with threonine, which is neutral and polar, at codon 78 of the PRDM8 protein (p.Ala78Thr). This variant is not present in population databases (gnomAD no frequency). This variant has not been reported in the literature in individuals affected with PRDM8-related conditions. ClinVar contains an entry for this variant (Variation ID: 1440154). Algorithms developed to predict the effect of missense changes on protein structure and function are either unavailable or do not agree on the potential impact of this missense change (SIFT: "Deleterious"; PolyPhen-2: "Probably Damaging"; Align-GVGD: "Class C0"). In summary, the available evidence is currently insufficient to determine the role of this variant in disease. Therefore, it has been classified as a Variant of Uncertain Significance.